The following is an entry in ClinVar:

ClinVar aggregate classification (germline): Pathogenic/Likely pathogenic. Review status: criteria provided, multiple submitters, no conflicts (2 of 4 stars). 2 submissions from 2 submitters: Pathogenic (1); Likely pathogenic (1). Last evaluated 2025-03-07.

Conditions:
Joubert syndrome 21 (JBTS21). Identifiers: MedGen C3810212, MONDO:0014288, OMIM 615636.

Allele frequency attached by ClinVar (database versions not stated): TOPMed below 0.00001; ExAC 0.00001; gnomAD exomes 0.00001.
gnomAD v4.1: 8 of 1,609,052 alleles (0.0005%); highest among the groups gnomAD compares: African/African-American, 0.0013%; no homozygotes.

Submissions (2):

Labcorp Genetics (formerly Invitae), Labcorp
Classification: Pathogenic for Joubert syndrome 21. Last evaluated: 2025-03-07. Review status: criteria provided, single submitter. Criteria: Invitae Variant Classification Sherloc (09022015). Collection method: clinical testing. Allele origin: germline.
Comment: This sequence change creates a premature translational stop signal (p.Arg989*) in the CSPP1 gene. It is expected to result in an absent or disrupted protein product. Loss-of-function variants in CSPP1 are known to be pathogenic (PMID: 24360807, 24360808). This variant is present in population databases (rs760275528, gnomAD 0.007%). This variant has not been reported in the literature in individuals affected with CSPP1-related conditions. ClinVar contains an entry for this variant (Variation ID: 1069030). For these reasons, this variant has been classified as Pathogenic.

Juno Genomics, Hangzhou Juno Genomics, Inc
Classification: Likely pathogenic for Joubert syndrome 21. Review status: criteria provided, single submitter. Criteria: ACMG Guidelines, 2015. Collection method: clinical testing. Allele origin: germline.
Comment: Null variant in a gene where loss of function (LOF) is a known mechanism of disease.;Absent from controls (or at extremely low frequency if recessive) in Genome Aggregation Database.

Literature cited by the submitters: PubMed 24360807 (cited by Labcorp Genetics (formerly Invitae), Labcorp); PubMed 24360808 (cited by Labcorp Genetics (formerly Invitae), Labcorp).

NM_001382391.1(CSPP1):c.2980C>T (p.Arg994Ter)

Genes: ARFGEF1 (ARF guanine nucleotide exchange factor 1; minus strand), CSPP1 (centrosome and spindle pole associated protein 1; plus strand). Cytogenetic location: 8q13.2.
Variant type: single nucleotide variant.
Coding change: c.2980C>T on transcript NM_001382391.1 (MANE Select); coding-DNA position 2980, C replaced by T.
Protein change: p.Arg994Ter; replaces arginine 994 with a stop codon.
Molecular consequence: nonsense. On other transcripts: 3 prime UTR variant (2).
Genome position (GRCh38, 1-based): chr8:67,175,307, C>T. VCF-style: chr8-67175307-C-T. GRCh37 (hg19) VCF-style: chr8-68087542-C-T.
Other names: c.*248G>A (NM_001413186.1, NM_001413187.1); c.1930C>T, p.Arg644Ter (NM_001291339.2); c.2899C>T, p.Arg967Ter (NM_001363131.2); c.2785C>T, p.Arg929Ter (NM_001363132.2); c.2704C>T, p.Arg902Ter (NM_001363133.2); c.3046C>T, p.Arg1016Ter (NM_001364869.1); c.2866C>T, p.Arg956Ter (NM_001364870.1); c.2812C>T, p.Arg938Ter (NM_001438330.1); and 2 more; short protein forms R1016*, R644*, R902*, R929*, R956*, R967*, R989*, R994*.
Identifiers: ClinVar variation 1069030 (VCV001069030.8), dbSNP rs760275528, ClinGen allele CA4771009.